The following is an entry in ClinVar:

ClinVar aggregate classification (germline): Uncertain significance (1 of 4 stars; one submission).

Conditions:
Developmental and epileptic encephalopathy. Identifiers: MedGen C5779964, MONDO:0100620.

Allele frequency attached by ClinVar (database versions not stated): gnomAD exomes 0.00001.
gnomAD v4.1: 2 of 537,592 alleles (0.00037%); highest among the groups gnomAD compares: Non-Finnish European, 0.00054%; no homozygotes.

Submission:

Labcorp Genetics (formerly Invitae), Labcorp
Classification: Uncertain significance for Early-infantile DEE. Last evaluated: 2022-09-01. Review status: criteria provided, single submitter. Criteria: Invitae Variant Classification Sherloc (09022015). Collection method: clinical testing. Allele origin: germline.
Comment: This sequence change replaces arginine, which is basic and polar, with glycine, which is neutral and non-polar, at codon 34 of the CACNA2D2 protein (p.Arg34Gly). This variant is not present in population databases (gnomAD no frequency). This variant has not been reported in the literature in individuals affected with CACNA2D2-related conditions. ClinVar contains an entry for this variant (Variation ID: 1438823). Algorithms developed to predict the effect of missense changes on protein structure and function are either unavailable or do not agree on the potential impact of this missense change (SIFT: "Deleterious"; PolyPhen-2: "Not Available"; Align-GVGD: "Class C0"). In summary, the available evidence is currently insufficient to determine the role of this variant in disease. Therefore, it has been classified as a Variant of Uncertain Significance.

NM_006030.4(CACNA2D2):c.100C>G (p.Arg34Gly)

Gene: CACNA2D2 (calcium voltage-gated channel auxiliary subunit alpha2delta 2; minus strand). Cytogenetic location: 3p21.31.
Variant type: single nucleotide variant.
Coding change: c.100C>G on transcript NM_006030.4 (MANE Select); coding-DNA position 100, C replaced by G.
Protein change: p.Arg34Gly; replaces arginine 34 with glycine.
Molecular consequence: missense variant. On other transcripts: intron variant (1).
Genome position (GRCh38, 1-based): chr3:50,503,324, G>C on the plus strand (C>G on the coding strand, the complement: CACNA2D2 is on the minus strand). VCF-style: chr3-50503324-G-C. GRCh37 (hg19) VCF-style: chr3-50540755-G-C.
Other names: c.100C>G, p.Arg34Gly (NM_001005505.3, NM_001174051.3); c.-2+745C>G (NM_001291101.1); short protein forms R34G.
Identifiers: ClinVar variation 1438823 (VCV001438823.4), dbSNP rs1477695737, ClinGen allele CA353000374.
Genomic context (GRCh38, chr3:50,503,324, plus strand): 5'-GCAGCGGTAGAAGCGGCAGCAGCAGCCACAGCGGGCGCGGGGGCCCGGACGTCGGGCGCC[G>C]GGTGCCGGGGCCAGGGTGGGGGCCGCAGCCGGGCCAGGGGCGCGCAGTCCGCGCTGGGCC-3'
Protein context (NP_006021.2, residues 24-44): GCGPHPGPGT[Arg34Gly]RPTSGPPRPL